The following is an entry in ClinVar:

ClinVar aggregate classification (germline): Benign. Review status: criteria provided, multiple submitters, no conflicts (2 of 4 stars). 4 submissions from 3 submitters: Benign (4). Last evaluated 2018-01-13.

Conditions:
Autosomal dominant nonsyndromic hearing loss 6 (LFSNHL). Also called: DEAFNESS, AUTOSOMAL DOMINANT 6; DEAFNESS, AUTOSOMAL DOMINANT 14; DEAFNESS, AUTOSOMAL DOMINANT 38; Autosomal dominant nonsyndromic deafness 6; DIDMOAD (Diabetes Insipidus, Diabetes Mellitus, Optic Atrophy, and Deafness). Identifiers: Orphanet 90635, MedGen C1833021, MONDO:0010963, OMIM 600965.
Wolfram syndrome 1 (WFS1). Identifiers: Orphanet 3463, MedGen C4551693, MONDO:0009101, OMIM 222300.
WFS1-Related Spectrum Disorders.

Allele frequency attached by ClinVar (database versions not stated): gnomAD exomes 0.00054; gnomAD 0.00282 and 0.00289; TOPMed 0.00326; 1000 Genomes Project 0.00479.
gnomAD v4.1: 552 of 362,480 alleles (0.15%); highest among the groups gnomAD compares: African/African-American, 0.88%; 3 homozygotes.

Submissions (4):

Illumina Laboratory Services, Illumina
Classification: Benign for Autosomal dominant nonsyndromic hearing loss 6. Last evaluated: 2018-01-13. Review status: criteria provided, single submitter. Criteria: ICSL Variant Classification Criteria 13 December 2019. Collection method: clinical testing. Allele origin: germline.
Comment: This variant was observed in the ICSL laboratory as part of a predisposition screen in an ostensibly healthy population. It had not been previously curated by ICSL or reported in the Human Gene Mutation Database (HGMD: prior to June 1st, 2018), and was therefore a candidate for classification through an automated scoring system. Utilizing variant allele frequency, disease prevalence and penetrance estimates, and inheritance mode, an automated score was calculated to assess if this variant is too frequent to cause the disease. Based on the score and internal cut-off values, a variant classified as benign is not then subjected to further curation. The score for this variant resulted in a classification of benign for this disease.

Illumina Laboratory Services, Illumina
Classification: Benign for WFS1-Related Spectrum Disorders. Last evaluated: 2018-01-13. Review status: criteria provided, single submitter. Criteria: ICSL Variant Classification Criteria 13 December 2019. Collection method: clinical testing. Allele origin: germline.
Comment: the same text as in the submission from Illumina Laboratory Services, Illumina above.

Breakthrough Genomics
Classification: Benign. Review status: criteria provided, single submitter. Criteria: ACMG Guidelines, 2015. Collection method: not provided. Allele origin: germline. Inheritance: Autosomal recessive inheritance. Affected: yes.

Clinical Genomics, Uppaluri K&H Personalized Medicine Clinic
Classification: Benign for Wolfram syndrome 1. Review status: criteria provided, single submitter. Criteria: K & H Uppaluri Personalized Medicine Clinic Variant Classification & Assertion Criteria_Updated V.1. Collection method: research. Allele origin: unknown. Inheritance: Autosomal recessive inheritance.
Comment: Potent mutations in WFS1 gene are associated with Wolfram's syndrome, an autosomal recessive condition, which cause diabetes mellitus, diabetes insipidus, deafness and optic atrophy.However no sufficient evidence is found to ascertain the role of this particular variant rs71530919 in Wolfram's syndrome yet.

Literature cited by the submitters: PubMed 20738327 (cited by Clinical Genomics, Uppaluri K&H Personalized Medicine Clinic); PubMed 33879153 (cited by Clinical Genomics, Uppaluri K&H Personalized Medicine Clinic); PubMed 12955714 (cited by Clinical Genomics, Uppaluri K&H Personalized Medicine Clinic); PubMed 18060660 (cited by Clinical Genomics, Uppaluri K&H Personalized Medicine Clinic); PubMed 20301750 (cited by Clinical Genomics, Uppaluri K&H Personalized Medicine Clinic); PubMed 17603484 (cited by Clinical Genomics, Uppaluri K&H Personalized Medicine Clinic).

NM_006005.3(WFS1):c.*358T>C

Gene: WFS1 (wolframin ER transmembrane glycoprotein; plus strand). Cytogenetic location: 4p16.1.
Variant type: single nucleotide variant.
Coding change: c.*358T>C on transcript NM_006005.3 (MANE Select); 358 bases downstream of the stop codon, T replaced by C.
Molecular consequence: 3 prime UTR variant.
Genome position (GRCh38, 1-based): chr4:6,302,826, T>C. VCF-style: chr4-6302826-T-C. GRCh37 (hg19) VCF-style: chr4-6304553-T-C.
Other names: c.*358T>C (NM_001145853.1).
Identifiers: ClinVar variation 905386 (VCV000905386.6), dbSNP rs71530919, ClinGen allele CA91798259.